The following is an entry in ClinVar:

NM_004360.5(CDH1):c.602del (p.Pro201fs)

Gene: CDH1 (cadherin 1; plus strand). Cytogenetic location: 16q22.1.
Variant type: Deletion.
Coding change: c.602del on transcript NM_004360.5 (MANE Select); coding-DNA position 602, one base deleted (C; older notation c.602delC).
Protein change: p.Pro201fs; shifts the reading frame from proline 201.
Molecular consequence: frameshift variant. On other transcripts: 5 prime UTR variant (2).
Genome position (GRCh38, 1-based): chr16:68,808,763, C deleted; the last of 5 consecutive C bases (chr16:68,808,759-68,808,763); deleting any one gives the same sequence. VCF-style (leftmost placement, unchanged base first): chr16-68808758-AC-A. GRCh37 (hg19) VCF-style: chr16-68842661-AC-A.
Other names: c.602del, p.Pro201fs (NM_001317184.2); c.-1014del (NM_001317185.2); c.-1218del (NM_001317186.2); short protein forms P201fs.
Identifiers: ClinVar variation 1751169 (VCV001751169.7), dbSNP rs2543915964, ClinGen allele CA496392380.

ClinVar aggregate classification (germline): Pathogenic. Review status: criteria provided, multiple submitters, no conflicts (2 of 4 stars). 2 submissions from 2 submitters: Pathogenic (2). Last evaluated 2022-10-01.

Conditions:
Hereditary cancer-predisposing syndrome. Also called: Neoplastic Syndromes, Hereditary; Tumor predisposition; Hereditary neoplastic syndrome; Hereditary Cancer Syndrome. Identifiers: Orphanet 140162, MedGen C0027672, MeSH D009386, MONDO:0015356.
Hereditary diffuse gastric adenocarcinoma (HDGC). Also called: DIFFUSE GASTRIC AND LOBULAR BREAST CANCER SYNDROME. Identifiers: Orphanet 26106, MedGen C1708349, MONDO:0007648, OMIM 137215.

Submissions (2):

Labcorp Genetics (formerly Invitae), Labcorp
Classification: Pathogenic for Hereditary diffuse gastric adenocarcinoma. Last evaluated: 2022-10-01. Review status: criteria provided, single submitter. Criteria: Invitae Variant Classification Sherloc (09022015). Collection method: clinical testing. Allele origin: germline.
Comment: For these reasons, this variant has been classified as Pathogenic. This variant has not been reported in the literature in individuals affected with CDH1-related conditions. This variant is not present in population databases (gnomAD no frequency). This sequence change creates a premature translational stop signal (p.Pro201Leufs*14) in the CDH1 gene. It is expected to result in an absent or disrupted protein product. Loss-of-function variants in CDH1 are known to be pathogenic (PMID: 15235021, 20373070).

Ambry Genetics
Classification: Pathogenic for Hereditary cancer-predisposing syndrome. Last evaluated: 2022-05-27. Review status: criteria provided, single submitter. Criteria: Ambry Variant Classification Scheme 2023. Collection method: clinical testing. Allele origin: germline.
Comment: The c.602delC pathogenic mutation, located in coding exon 5 of the CDH1 gene, results from a deletion of one nucleotide at nucleotide position 602, causing a translational frameshift with a predicted alternate stop codon (p.P201Lfs*14). This alteration is expected to result in loss of function by premature protein truncation or nonsense-mediated mRNA decay. As such, this alteration is interpreted as a disease-causing mutation.

Literature cited by the submitters: PubMed 15235021 (cited by Labcorp Genetics (formerly Invitae), Labcorp); PubMed 20373070 (cited by Labcorp Genetics (formerly Invitae), Labcorp).